The following is an entry in ClinVar:

NM_003774.5(GALNT4):c.1546C>A (p.Gln516Lys)

Genes: GALNT4 (polypeptide N-acetylgalactosaminyltransferase 4; minus strand), POC1B (POC1 centriolar protein B; minus strand), POC1B-DUSP6 (POC1B-DUSP6 readthrough; minus strand), POC1B-GALNT4 (POC1B-GALNT4 readthrough; minus strand). Cytogenetic location: 12q21.33.
Variant type: single nucleotide variant.
Coding change: c.1546C>A on transcript NM_003774.5 (MANE Select); coding-DNA position 1546, C replaced by A.
Protein change: p.Gln516Lys; replaces glutamine 516 with lysine.
Molecular consequence: missense variant. On other transcripts: intron variant (2).
Genome position (GRCh38, 1-based): chr12:89,523,004, G>T on the plus strand (C>A on the coding strand, the complement: GALNT4 is on the minus strand). VCF-style: chr12-89523004-G-T. GRCh37 (hg19) VCF-style: chr12-89916781-G-T.
Other names: c.1537C>A, p.Gln513Lys (NM_001199781.2); c.1030C>A, p.Gln344Lys (NM_001199782.1); c.100+2116C>A (NM_172240.3); c.-27+2116C>A (NM_001199777.2); short protein forms Q344K, Q516K, Q513K.
Identifiers: ClinVar variation 773664 (VCV000773664.28), dbSNP rs139995124, ClinGen allele CA6714659.

ClinVar aggregate classification (germline): Benign/Likely benign. Review status: criteria provided, multiple submitters, no conflicts (2 of 4 stars). 3 submissions from 3 submitters: Benign (2); Likely benign (1). Last evaluated 2026-01-01.

Allele frequency attached by ClinVar (database versions not stated): 1000 Genomes Project 30x 0.00187; 1000 Genomes Project 0.00220; TOPMed 0.00393; ExAC 0.00423; gnomAD exomes 0.00437 and 0.00780; gnomAD 0.00447 and 0.00461; ESP Exome Variant Server 0.00592.
gnomAD v4.1: 11,862 of 1,613,866 alleles (0.74%); highest among the groups gnomAD compares: Non-Finnish European, 0.94%; 60 homozygotes.

Submissions (3):

CeGaT Center for Human Genetics Tuebingen
Classification: Likely benign. Last evaluated: 2026-01-01. Review status: criteria provided, single submitter. Criteria: CeGaT Center For Human Genetics Tuebingen Variant Classification Criteria Version 2. Collection method: clinical testing. Allele origin: germline. Affected: yes. Observed: 2 variant alleles.
Comment: GALNT4: BP4, BS2; POC1B-GALNT4: BP4, BS2

Labcorp Genetics (formerly Invitae), Labcorp
Classification: Benign. Last evaluated: 2018-06-23. Review status: criteria provided, single submitter. Criteria: Invitae Variant Classification Sherloc (09022015). Collection method: clinical testing. Allele origin: germline.

Breakthrough Genomics
Classification: Benign. Review status: criteria provided, single submitter. Criteria: ACMG Guidelines, 2015. Collection method: not provided. Allele origin: germline. Inheritance: Unknown mechanism. Affected: yes.